The following is an entry in ClinVar:

ClinVar aggregate classification (germline): Uncertain significance (1 of 4 stars; one submission).

Conditions:
Combined immunodeficiency due to DOCK8 deficiency (HIES2). Also called: HIES autosomal recessive; DOCK8 Deficiency; Hyper-IgE recurrent infection syndrome, autosomal recessive; HYPER-IgE RECURRENT INFECTION SYNDROME 2, AUTOSOMAL RECESSIVE; HYPER-IgE SYNDROME 2, AUTOSOMAL RECESSIVE, WITH RECURRENT INFECTIONS. Identifiers: Orphanet 217390, MedGen C4722305, MONDO:0009478, OMIM 243700.

Allele frequency attached by ClinVar (database versions not stated): gnomAD exomes below 0.00001; TOPMed below 0.00001.
gnomAD v4.1: 1 of 1,613,956 alleles (0.000062%); highest among the groups gnomAD compares: Admixed American, 0.0017%; no homozygotes.

Submission:

Labcorp Genetics (formerly Invitae), Labcorp
Classification: Uncertain significance for Combined immunodeficiency due to DOCK8 deficiency. Last evaluated: 2025-12-08. Review status: criteria provided, single submitter. Criteria: Invitae Variant Classification Sherloc (09022015). Collection method: clinical testing. Allele origin: germline.
Comment: This sequence change replaces valine, which is neutral and non-polar, with glycine, which is neutral and non-polar, at codon 62 of the DOCK8 protein (p.Val62Gly). This variant is present in population databases (no rsID available, gnomAD 0.003%). This variant has not been reported in the literature in individuals affected with DOCK8-related conditions. ClinVar contains an entry for this variant (Variation ID: 2142777). Invitae Evidence Modeling of protein sequence and biophysical properties (such as structural, functional, and spatial information, amino acid conservation, physicochemical variation, residue mobility, and thermodynamic stability) indicates that this missense variant is not expected to disrupt DOCK8 protein function with a negative predictive value of 80%. In summary, the available evidence is currently insufficient to determine the role of this variant in disease. Therefore, it has been classified as a Variant of Uncertain Significance.

NM_203447.4(DOCK8):c.185T>G (p.Val62Gly)

Genes: DOCK8 (dedicator of cytokinesis 8; plus strand), LOC126860552 (BRD4-independent group 4 enhancer GRCh37_chr9:285795-286994; plus strand). Cytogenetic location: 9p24.3.
Variant type: single nucleotide variant.
Coding change: c.185T>G on transcript NM_203447.4 (MANE Select); coding-DNA position 185, T replaced by G.
Protein change: p.Val62Gly; replaces valine 62 with glycine.
Molecular consequence: missense variant. On other transcripts: 5 prime UTR variant (2).
Genome position (GRCh38, 1-based): chr9:286,489, T>G. VCF-style: chr9-286489-T-G. GRCh37 (hg19) VCF-style: chr9-286489-T-G.
Other names: c.-20T>G (NM_001190458.2, NM_001193536.2); short protein forms V62G.
Identifiers: ClinVar variation 2142777 (VCV002142777.4), dbSNP rs1360426782, ClinGen allele CA372755917.